The following is an entry in ClinVar:

NM_000336.3(SCNN1B):c.246C>T (p.Ser82=)

Gene: SCNN1B (sodium channel epithelial 1 subunit beta; plus strand). Cytogenetic location: 16p12.2.
Variant type: single nucleotide variant.
Coding change: c.246C>T on transcript NM_000336.3 (MANE Select); coding-DNA position 246, C replaced by T.
Protein change: p.Ser82=; no amino-acid change (serine 82 retained).
Molecular consequence: synonymous variant.
Genome position (GRCh38, 1-based): chr16:23,348,845, C>T. VCF-style: chr16-23348845-C-T. GRCh37 (hg19) VCF-style: chr16-23360166-C-T.
Identifiers: ClinVar variation 318419 (VCV000318419.6), dbSNP rs757137077, ClinGen allele CA7960092.
Genomic context (GRCh38, chr16:23,348,845, plus strand): 5'-CGTCTGCTGGCAGTGGGGCATCTTCATCAGGACCTACTTGAGCTGGGAGGTCAGCGTCTC[C>T]CTCTCCGTAGGCTTCAAGACCATGGACTTCCCTGCCGTCACCATCTGCAATGCTAGCCCC-3'
Protein context (NP_000327.2, residues 72-92): RTYLSWEVSV[Ser82=]LSVGFKTMDF

ClinVar aggregate classification (germline): Conflicting classifications of pathogenicity. Review status: criteria provided, conflicting classifications (1 of 4 stars). 4 submissions from 2 submitters: Uncertain significance (1); Likely benign (3). Last evaluated 2023-02-15.

Conditions:
Bronchiectasis with or without elevated sweat chloride 1 (BESC1). Also called: Cystic Fibrosis-Like Syndrome. Identifiers: Orphanet 60033, MedGen C2749757, MONDO:0008887, OMIM 211400.
Pseudohypoaldosteronism, type IB1, autosomal recessive. Also called: Autosomal recessive pseudohypoaldosteronism type 1; PHA I, AUTOSOMAL RECESSIVE; Pseudohypoaldosteronism, Type I, Autosomal Recessive; Pseudohypoaldosteronism, Type I, Recessive. Identifiers: Orphanet 171876, Orphanet 756, MedGen C5774176, MONDO:0009917, OMIM 264350.
Liddle syndrome 1 (LIDLS1). Also called: PSEUDOALDOSTERONISM. Identifiers: Orphanet 526, MedGen CN031472, MONDO:0020607, OMIM 177200.

Allele frequency attached by ClinVar (database versions not stated): gnomAD exomes 0.00002 and 0.00003; TOPMed 0.00002; gnomAD 0.00004; ExAC 0.00005.
gnomAD v4.1: 46 of 1,614,006 alleles (0.0029%); highest among the groups gnomAD compares: Non-Finnish European, 0.0037%; no homozygotes.

Submissions (4):

Blueprint Genetics
Classification: Likely benign. Last evaluated: 2023-02-15. Review status: criteria provided, single submitter. Criteria: ACMG Guidelines, 2015. Collection method: clinical testing. Allele origin: germline.

Illumina Laboratory Services, Illumina
Classification: Likely benign for Liddle syndrome 1. Last evaluated: 2018-01-13. Review status: criteria provided, single submitter. Criteria: ICSL Variant Classification Criteria 13 December 2019. Collection method: clinical testing. Allele origin: germline.
Comment: This variant was observed in the ICSL laboratory as part of a predisposition screen in an ostensibly healthy population. It had not been previously curated by ICSL or reported in the Human Gene Mutation Database (HGMD: prior to June 1st, 2018), and was therefore a candidate for classification through an automated scoring system. Utilizing variant allele frequency, disease prevalence and penetrance estimates, and inheritance mode, an automated score was calculated to assess if this variant is too frequent to cause the disease. Based on the score and internal cut-off values, a variant classified as likely benign is not then subjected to further curation. The score for this variant resulted in a classification of likely benign for this disease.

Illumina Laboratory Services, Illumina
Classification: Likely benign for Bronchiectasis with or without elevated sweat chloride 1. Last evaluated: 2018-01-13. Review status: criteria provided, single submitter. Criteria: ICSL Variant Classification Criteria 13 December 2019. Collection method: clinical testing. Allele origin: germline.
Comment: the same text as in the submission from Illumina Laboratory Services, Illumina above.

Illumina Laboratory Services, Illumina
Classification: Uncertain significance for Pseudohypoaldosteronism, type IB1, autosomal recessive. Last evaluated: 2018-01-13. Review status: criteria provided, single submitter. Criteria: ICSL Variant Classification Criteria 13 December 2019. Collection method: clinical testing. Allele origin: germline.